The following is an entry in ClinVar:

ClinVar aggregate classification (germline): Uncertain significance (1 of 4 stars; one submission).

Conditions:
Familial cold autoinflammatory syndrome 3 (FCAS3). Also called: ANTIBODY DEFICIENCY AND IMMUNE DYSREGULATION, PLCG2-ASSOCIATED; FAMILIAL ATYPICAL COLD URTICARIA. Identifiers: Orphanet 300359, MedGen C3280914, MONDO:0013766, OMIM 614468.

gnomAD v4.1: 2 of 1,614,056 alleles (0.00012%); highest among the groups gnomAD compares: Non-Finnish European, 0.00017%; no homozygotes.

Submission:

Labcorp Genetics (formerly Invitae), Labcorp
Classification: Uncertain significance for Familial cold autoinflammatory syndrome 3. Last evaluated: 2023-07-19. Review status: criteria provided, single submitter. Criteria: Invitae Variant Classification Sherloc (09022015). Collection method: clinical testing. Allele origin: germline.
Comment: In summary, the available evidence is currently insufficient to determine the role of this variant in disease. Therefore, it has been classified as a Variant of Uncertain Significance. Algorithms developed to predict the effect of missense changes on protein structure and function output the following: SIFT: "Not Available"; PolyPhen-2: "Benign"; Align-GVGD: "Not Available". The serine amino acid residue is found in multiple mammalian species, which suggests that this missense change does not adversely affect protein function. This variant has not been reported in the literature in individuals affected with PLCG2-related conditions. This variant is not present in population databases (gnomAD no frequency). This sequence change replaces threonine, which is neutral and polar, with serine, which is neutral and polar, at codon 102 of the PLCG2 protein (p.Thr102Ser).

NM_002661.5(PLCG2):c.304A>T (p.Thr102Ser)

Gene: PLCG2 (phospholipase C gamma 2; plus strand). Cytogenetic location: 16q23.3.
Variant type: single nucleotide variant.
Coding change: c.304A>T on transcript NM_002661.5 (MANE Select); coding-DNA position 304, A replaced by T.
Protein change: p.Thr102Ser; replaces threonine 102 with serine.
Molecular consequence: missense variant.
Genome position (GRCh38, 1-based): chr16:81,854,554, A>T. VCF-style: chr16-81854554-A-T. GRCh37 (hg19) VCF-style: chr16-81888159-A-T.
Other names: c.304A>T, p.Thr102Ser (NM_001425749.1, NM_001425750.1, NM_001425751.1); short protein forms T102S.
Identifiers: ClinVar variation 2807844 (VCV002807844.3), dbSNP rs991965495, ClinGen allele CA396900687.
Genomic context (GRCh38, chr16:81,854,554, plus strand): 5'-TTCGAGCGAGCAAAAGCAGTTCGCCAGAAAGAAGACTGCTGCTTCACCATCCTATATGGC[A>T]CTCAGTTCGTCCTCAGCACGCTCAGCTTGGCAGGTAGGTGCATGTTTCTGTGCCTTTCTC-3'
Protein context (NP_002652.2, residues 92-112): EDCCFTILYG[Thr102Ser]QFVLSTLSLA